The following is an entry in ClinVar:

NM_002454.3(MTRR):c.227del (p.Ile76fs)

Gene: MTRR (5-methyltetrahydrofolate-homocysteine methyltransferase reductase; plus strand). Cytogenetic location: 5p15.31.
Variant type: Deletion.
Coding change: c.227del on transcript NM_002454.3 (MANE Select); coding-DNA position 227, one base deleted (T; older notation c.227delT).
Protein change: p.Ile76fs; shifts the reading frame from isoleucine 76.
Molecular consequence: frameshift variant. On other transcripts: non-coding transcript variant (8).
Genome position (GRCh38, 1-based): chr5:7,873,470, T deleted. VCF-style (leftmost placement, unchanged base first): chr5-7873469-AT-A. GRCh37 (hg19) VCF-style: chr5-7873582-AT-A.
Other names: c.227del, p.Ile76fs (NM_001364440.2, NM_001364441.2, NM_001364442.2 and 1 more transcripts); short protein forms I76fs.
Identifiers: ClinVar variation 2848981 (VCV002848981.3), dbSNP rs2478703868, ClinGen allele CA2739274583.

ClinVar aggregate classification (germline): Pathogenic (1 of 4 stars; one submission).

Conditions:
Methylcobalamin deficiency type cblE (HMAE). Also called: VITAMIN B12-RESPONSIVE HOMOCYSTINURIA, cblE TYPE; HOMOCYSTINURIA-MEGALOBLASTIC ANEMIA, cblE TYPE; HOMOCYSTINURIA-MEGALOBLASTIC ANEMIA, cblE COMPLEMENTATION TYPE. Identifiers: Orphanet 2169, Orphanet 622, MedGen C1856057, MONDO:0009354, OMIM 236270.

Submission:

Labcorp Genetics (formerly Invitae), Labcorp
Classification: Pathogenic for Methylcobalamin deficiency type cblE. Last evaluated: 2023-03-23. Review status: criteria provided, single submitter. Criteria: Invitae Variant Classification Sherloc (09022015). Collection method: clinical testing. Allele origin: germline.
Comment: This sequence change creates a premature translational stop signal (p.Ile76Asnfs*35) in the MTRR gene. It is expected to result in an absent or disrupted protein product. Loss-of-function variants in MTRR are known to be pathogenic (PMID: 15714522). This variant is not present in population databases (gnomAD no frequency). This variant has not been reported in the literature in individuals affected with MTRR-related conditions. Algorithms developed to predict the effect of sequence changes on RNA splicing suggest that this variant may disrupt the consensus splice site. For these reasons, this variant has been classified as Pathogenic.

Literature cited by the submitters: PubMed 15714522.